The following is an entry in ClinVar:

NM_005045.4(RELN):c.10190G>A (p.Arg3397Gln)

Genes: RELN (reelin; minus strand), SLC26A5-AS1 (SLC26A5 antisense RNA 1; plus strand). Cytogenetic location: 7q22.1.
Variant type: single nucleotide variant.
Coding change: c.10190G>A on transcript NM_005045.4 (MANE Select); coding-DNA position 10190, G replaced by A.
Protein change: p.Arg3397Gln; replaces arginine 3397 with glutamine.
Molecular consequence: missense variant.
Genome position (GRCh38, 1-based): chr7:103,482,963, C>T on the plus strand (G>A on the coding strand, the complement: RELN is on the minus strand). VCF-style: chr7-103482963-C-T. GRCh37 (hg19) VCF-style: chr7-103123410-C-T.
Other names: c.10190G>A, p.Arg3397Gln (NM_173054.3); short protein forms R3397Q.
Identifiers: ClinVar variation 999253 (VCV000999253.10), dbSNP rs866584196, ClinGen allele CA163898475.

ClinVar aggregate classification (germline): Uncertain significance. Review status: criteria provided, multiple submitters, no conflicts (2 of 4 stars). 3 submissions from 3 submitters: Uncertain significance (3). Last evaluated 2026-04-01.

Conditions:
Norman-Roberts syndrome (LIS2). Also called: Lissencephaly 2 (Norman-Roberts type). Identifiers: Orphanet 89844, MedGen C0796089, MONDO:0009760, OMIM 257320.
Familial temporal lobe epilepsy 7. Identifiers: Orphanet 101046, MedGen C4225327, MONDO:0014639, OMIM 616436.

Allele frequency attached by ClinVar (database versions not stated): gnomAD exomes below 0.00001 and 0.00002; gnomAD 0.00001; TOPMed 0.00002.
gnomAD v4.1: 24 of 1,613,894 alleles (0.0015%); highest among the groups gnomAD compares: East Asian, 0.0045%; no homozygotes.

Submissions (3):

CeGaT Center for Human Genetics Tuebingen
Classification: Uncertain significance. Last evaluated: 2026-04-01. Review status: criteria provided, single submitter. Criteria: CeGaT Center For Human Genetics Tuebingen Variant Classification Criteria Version 2. Collection method: clinical testing. Allele origin: germline. Affected: yes. Observed: 1 variant allele.

Labcorp Genetics (formerly Invitae), Labcorp
Classification: Uncertain significance for Familial temporal lobe epilepsy 7; Norman-Roberts syndrome. Last evaluated: 2023-05-25. Review status: criteria provided, single submitter. Criteria: Invitae Variant Classification Sherloc (09022015). Collection method: clinical testing. Allele origin: germline.
Comment: This variant is not present in population databases (gnomAD no frequency). This sequence change replaces arginine, which is basic and polar, with glutamine, which is neutral and polar, at codon 3397 of the RELN protein (p.Arg3397Gln). This variant has not been reported in the literature in individuals affected with RELN-related conditions. In summary, the available evidence is currently insufficient to determine the role of this variant in disease. Therefore, it has been classified as a Variant of Uncertain Significance. Advanced modeling of protein sequence and biophysical properties (such as structural, functional, and spatial information, amino acid conservation, physicochemical variation, residue mobility, and thermodynamic stability) performed at Invitae indicates that this missense variant is not expected to disrupt RELN protein function. ClinVar contains an entry for this variant (Variation ID: 999253).

GeneDx
Classification: Uncertain significance. Last evaluated: 2020-07-08. Review status: criteria provided, single submitter. Criteria: GeneDx Variant Classification Process June 2021. Collection method: clinical testing. Allele origin: germline. Affected: yes.
Comment: Not observed at a significant frequency in large population cohorts (Lek et al., 2016); In silico analysis supports that this missense variant does not alter protein structure/function; Has not been previously published as pathogenic or benign to our knowledge